The following is an entry in ClinVar:

NM_025257.3(SLC44A4):c.1250C>T (p.Ser417Phe)

Gene: SLC44A4 (solute carrier family 44 member 4; minus strand). Cytogenetic location: 6p21.33.
Variant type: single nucleotide variant.
Coding change: c.1250C>T on transcript NM_025257.3 (MANE Select); coding-DNA position 1250, C replaced by T.
Protein change: p.Ser417Phe; replaces serine 417 with phenylalanine.
Molecular consequence: missense variant.
Genome position (GRCh38, 1-based): chr6:31,866,110, G>A on the plus strand (C>T on the coding strand, the complement: SLC44A4 is on the minus strand). VCF-style: chr6-31866110-G-A. GRCh37 (hg19) VCF-style: chr6-31833887-G-A.
Other names: c.1124C>T, p.Ser375Phe (NM_001178044.2); c.1022C>T, p.Ser341Phe (NM_001178045.2); short protein forms S417F, S341F, S375F.
Identifiers: ClinVar variation 4993391 (VCV004993391.1), dbSNP rs267600963.

ClinVar aggregate classification (germline): Uncertain significance (1 of 4 stars; one submission).

Conditions:
SLC44A4-related disorder. Also called: SLC44A4-related condition.

Submission:

PreventionGenetics, part of Exact Sciences
Classification: Uncertain significance for SLC44A4-related condition. Last evaluated: 2026-04-23. Review status: criteria provided, single submitter. Criteria: ACMG Guidelines, 2015. Collection method: clinical testing. Allele origin: germline.
Comment: The SLC44A4 c.1250C>T variant is predicted to result in the amino acid substitution p.Ser417Phe. To our knowledge, this variant has not been reported in the literature or in a large population database (gnomAD), indicating this variant is rare. At this time, the clinical significance of this variant is uncertain due to the absence of conclusive functional and genetic evidence.